The following is an entry in ClinVar:

ClinVar aggregate classification (germline): Uncertain significance (1 of 4 stars; one submission).

Conditions:
Mosaic variegated aneuploidy syndrome 1 (MVA1). Also called: Warburton-Anyane-Yeboa syndrome. Identifiers: Orphanet 1052, MedGen C1850343, MONDO:0009759, OMIM 257300.

Submission:

Labcorp Genetics (formerly Invitae), Labcorp
Classification: Uncertain significance for Mosaic variegated aneuploidy syndrome 1. Last evaluated: 2020-02-11. Review status: criteria provided, single submitter. Criteria: Invitae Variant Classification Sherloc (09022015). Collection method: clinical testing. Allele origin: germline.
Comment: This sequence change replaces aspartic acid with histidine at codon 280 of the BUB1B protein (p.Asp280His). The aspartic acid residue is weakly conserved and there is a moderate physicochemical difference between aspartic acid and histidine. This variant is not present in population databases (ExAC no frequency). This variant has not been reported in the literature in individuals with BUB1B-related conditions. Algorithms developed to predict the effect of missense changes on protein structure and function are either unavailable or do not agree on the potential impact of this missense change (SIFT: "Tolerated"; PolyPhen-2: "Possibly Damaging"; Align-GVGD: "Class C0"). In summary, the available evidence is currently insufficient to determine the role of this variant in disease. Therefore, it has been classified as a Variant of Uncertain Significance.

NM_001211.6(BUB1B):c.838G>C (p.Asp280His)

Gene: BUB1B (BUB1 mitotic checkpoint serine/threonine kinase B; plus strand). Cytogenetic location: 15q15.1.
Variant type: single nucleotide variant.
Coding change: c.838G>C on transcript NM_001211.6 (MANE Select); coding-DNA position 838, G replaced by C.
Protein change: p.Asp280His; replaces aspartic acid 280 with histidine.
Molecular consequence: missense variant.
Genome position (GRCh38, 1-based): chr15:40,185,251, G>C. VCF-style: chr15-40185251-G-C. GRCh37 (hg19) VCF-style: chr15-40477452-G-C.
Other names: short protein forms D280H.
Identifiers: ClinVar variation 1006427 (VCV001006427.10), dbSNP rs2037344931, ClinGen allele CA391684289.